The following is an entry in ClinVar:

ClinVar aggregate classification (germline): Likely benign (1 of 4 stars; one submission).

Allele frequency attached by ClinVar (database versions not stated): gnomAD exomes 0.00011; TOPMed 0.00022; gnomAD 0.00027.
gnomAD v4.1: 168 of 1,232,490 alleles (0.014%); highest among the groups gnomAD compares: Non-Finnish European, 0.0022%; 1 homozygote.

Submission:

CeGaT Center for Human Genetics Tuebingen
Classification: Likely benign. Last evaluated: 2022-10-01. Review status: criteria provided, single submitter. Criteria: CeGaT Center For Human Genetics Tuebingen Variant Classification Criteria Version 2. Collection method: clinical testing. Allele origin: germline. Affected: yes. Observed: 1 variant allele.
Comment: RIMBP2: BP4, BP7

NM_001393629.1(RIMBP2):c.2910G>A (p.Val970=)

Genes: PIWIL1 (piwi like RNA-mediated gene silencing 1; plus strand), RIMBP2 (RIMS binding protein 2; minus strand). Cytogenetic location: 12q24.33.
Variant type: single nucleotide variant.
Coding change: c.2910G>A on transcript NM_001393629.1 (MANE Select); coding-DNA position 2910, G replaced by A.
Protein change: p.Val970=; no amino-acid change (valine 970 retained).
Molecular consequence: synonymous variant. On other transcripts: intron variant (18).
Genome position (GRCh38, 1-based): chr12:130,424,361, C>T on the plus strand (G>A on the coding strand, the complement: RIMBP2 is on the minus strand). VCF-style: chr12-130424361-C-T. GRCh37 (hg19) VCF-style: chr12-130908906-C-T.
Other names: c.2910G>A, p.Val970= (NM_001393614.1, NM_001393615.1, NM_001393616.1 and 1 more transcripts); c.2413-1800G>A (NM_001351227.2, NM_001393621.1, NM_001351229.2 and 13 more transcripts); c.2254-1800G>A (NM_001393628.1); c.2362-1800G>A (NM_015347.5).
Identifiers: ClinVar variation 2643591 (VCV002643591.24), dbSNP rs984080655, ClinGen allele CA245433776.